The following is an entry in ClinVar:

ClinVar aggregate classification (germline): Pathogenic (1 of 4 stars; one submission).

Conditions:
Ehlers-Danlos syndrome, classic type, 1 (EDSCL1). Also called: EHLERS-DANLOS SYNDROME, GRAVIS TYPE; EHLERS-DANLOS SYNDROME, SEVERE CLASSIC TYPE; Ehlers-Danlos syndrome, type 1; EDS I; Ehlers-Danlos Syndrome, Classic Type, COL5A1-Related. Identifiers: MedGen C0268335, MONDO:0019567, OMIM 130000.

Submission:

Labcorp Genetics (formerly Invitae), Labcorp
Classification: Pathogenic for Ehlers-Danlos syndrome, classic type, 1. Last evaluated: 2022-11-26. Review status: criteria provided, single submitter. Criteria: Invitae Variant Classification Sherloc (09022015). Collection method: clinical testing. Allele origin: germline.
Comment: Disruption of the initiator codon has been observed in individual(s) with Ehlers-Danlos syndrome (Invitae). This variant is not present in population databases (gnomAD no frequency). This sequence change affects the initiator methionine of the COL5A1 mRNA. The next in-frame methionine is located at codon 198. This variant disrupts a region of the COL5A1 protein in which other variant(s) (p.Leu25Arg) have been determined to be pathogenic (PMID: 18972565; Invitae). This suggests that this is a clinically significant region of the protein, and that variants that disrupt it are likely to be disease-causing. For these reasons, this variant has been classified as Pathogenic.

Literature cited by the submitters: PubMed 18972565.

NM_000093.5(COL5A1):c.2T>G (p.Met1Arg)

Gene: COL5A1 (collagen type V alpha 1 chain; plus strand). Cytogenetic location: 9q34.3.
Variant type: single nucleotide variant.
Coding change: c.2T>G on transcript NM_000093.5 (MANE Select); coding-DNA position 2, T replaced by G.
Protein change: p.Met1Arg; changes the start codon (methionine 1).
Molecular consequence: missense variant, initiator codon variant.
Genome position (GRCh38, 1-based): chr9:134,642,189, T>G. VCF-style: chr9-134642189-T-G. GRCh37 (hg19) VCF-style: chr9-137534035-T-G.
Other names: c.2T>G, p.Met1Arg (NM_001278074.1); short protein forms M1R.
Identifiers: ClinVar variation 2011378 (VCV002011378.5), dbSNP rs2491093547, ClinGen allele CA375443756.